The following is an entry in ClinVar:

ClinVar aggregate classification (germline): Likely benign (0 of 4 stars; one submission).

Conditions:
DSCAML1-related disorder. Also called: DSCAML1-related condition.

Allele frequency attached by ClinVar (database versions not stated): gnomAD exomes 0.00001; TOPMed 0.00001.
gnomAD v4.1: 19 of 1,614,108 alleles (0.0012%); highest among the groups gnomAD compares: Admixed American, 0.0017%; no homozygotes.

Submission:

PreventionGenetics, part of Exact Sciences
Classification: Likely benign for DSCAML1-related condition. Last evaluated: 2019-09-17. Review status: no assertion criteria provided. Collection method: clinical testing. Allele origin: germline.
Comment: This variant is classified as likely benign based on ACMG/AMP sequence variant interpretation guidelines (Richards et al. 2015 PMID: 25741868, with internal and published modifications).

NM_020693.4(DSCAML1):c.3462G>A (p.Leu1154=)

Gene: DSCAML1 (DS cell adhesion molecule like 1; minus strand). Cytogenetic location: 11q23.3.
Variant type: single nucleotide variant.
Coding change: c.3462G>A on transcript NM_020693.4 (MANE Select); coding-DNA position 3462, G replaced by A.
Protein change: p.Leu1154=; no amino-acid change (leucine 1154 retained).
Molecular consequence: synonymous variant.
Genome position (GRCh38, 1-based): chr11:117,458,860, C>T on the plus strand (G>A on the coding strand, the complement: DSCAML1 is on the minus strand). VCF-style: chr11-117458860-C-T. GRCh37 (hg19) VCF-style: chr11-117329576-C-T.
Identifiers: ClinVar variation 3040026 (VCV003040026.2), dbSNP rs1041909028, ClinGen allele CA229363540.